The following is an entry in ClinVar:

NM_001101.5(ACTB):c.-32C>A

Gene: ACTB (actin beta; minus strand). Cytogenetic location: 7p22.1.
Variant type: single nucleotide variant.
Coding change: c.-32C>A on transcript NM_001101.5 (MANE Select); 32 bases upstream of the start codon, C replaced by A.
Molecular consequence: 5 prime UTR variant.
Genome position (GRCh38, 1-based): chr7:5,530,549, G>T on the plus strand (C>A on the coding strand, the complement: ACTB is on the minus strand). VCF-style: chr7-5530549-G-T. GRCh37 (hg19) VCF-style: chr7-5570180-G-T.
Other names: c.-32C>A (LRG_132t1).
Identifiers: ClinVar variation 515380 (VCV000515380.1), dbSNP rs1394110982, ClinGen allele CA658796898.

ClinVar aggregate classification (germline): Likely benign (1 of 4 stars; one submission).

Submission:

GeneDx
Classification: Likely benign. Last evaluated: 2018-02-12. Review status: criteria provided, single submitter. Criteria: GeneDx Variant Classification (06012015). Collection method: clinical testing. Allele origin: germline. Affected: yes.
Comment: This variant is considered likely benign or benign based on one or more of the following criteria: it is a conservative change, it occurs at a poorly conserved position in the protein, it is predicted to be benign by multiple in silico algorithms, and/or has population frequency not consistent with disease.